The following is an entry in ClinVar:

ClinVar aggregate classification (germline): Pathogenic (1 of 4 stars; one submission).

Conditions:
Gorlin syndrome. Also called: Nevoid Basal Cell Carcinoma Syndrome; Basal cell nevus syndrome. Identifiers: Orphanet 377, MedGen C0004779, MONDO:0007187.

Submission:

Labcorp Genetics (formerly Invitae), Labcorp
Classification: Pathogenic for Gorlin syndrome. Last evaluated: 2020-10-14. Review status: criteria provided, single submitter. Criteria: Invitae Variant Classification Sherloc (09022015). Collection method: clinical testing. Allele origin: germline.
Comment: Algorithms developed to predict the effect of sequence changes on RNA splicing suggest that this variant may disrupt the consensus splice site, but this prediction has not been confirmed by published transcriptional studies. This variant has been observed in individual(s) with clinical features of basal cell nevus syndrome (Invitae). In at least one individual the variant was observed to be de novo. ClinVar contains an entry for this variant (Variation ID: 942509). This variant is not present in population databases (ExAC no frequency). This sequence change affects a donor splice site in intron 5 of the PTCH1 gene. It is expected to disrupt RNA splicing and likely results in an absent or disrupted protein product. Donor and acceptor splice site variants typically lead to a loss of protein function (PMID: 16199547), and loss-of-function variants in PTCH1 are known to be pathogenic (PMID: 16301862, 16419085). For these reasons, this variant has been classified as Pathogenic.

Literature cited by the submitters: PubMed 16199547; PubMed 16301862; PubMed 16419085.

NM_000264.5(PTCH1):c.746+2T>G

Gene: PTCH1 (patched 1; minus strand). Cytogenetic location: 9q22.32.
Variant type: single nucleotide variant.
Coding change: c.746+2T>G on transcript NM_000264.5 (MANE Select); the canonical splice donor site of the intron after coding-DNA position 746, T replaced by G.
Molecular consequence: splice donor variant. On other transcripts: stop lost (1).
Genome position (GRCh38, 1-based): chr9:95,481,947, A>C on the plus strand (T>G on the coding strand, the complement: PTCH1 is on the minus strand). VCF-style: chr9-95481947-A-C. GRCh37 (hg19) VCF-style: chr9-98244229-A-C.
Other names: c.550T>G, p.Ter184Glu (NM_001354919.2); c.743+2T>G (NM_001083603.3); c.548+2T>G (NM_001083602.3); c.746+2T>G (NM_001354918.2); c.293+2T>G (NM_001083605.3, NM_001083604.3, NM_001083606.3 and 1 more transcripts).
Identifiers: ClinVar variation 942509 (VCV000942509.10), dbSNP rs1841568184, ClinGen allele CA374114784.